The following is an entry in ClinVar:

NC_000001.11:g.(?_17018871)_(17054029_?)del

Genes: SDHB (succinate dehydrogenase complex iron sulfur subunit B; minus strand), LOC129929541 (ATAC-STARR-seq lymphoblastoid active region 276; plus strand), LOC129929542 (ATAC-STARR-seq lymphoblastoid active region 277; plus strand). Cytogenetic location: 1p36.13.
Variant type: Deletion.
Identifiers: ClinVar variation 646398 (VCV000646398.2).

ClinVar aggregate classification (germline): Pathogenic (1 of 4 stars; one submission).

Conditions:
Pheochromocytoma. Also called: MAX-Related Hereditary Paraganglioma-Pheochromocytoma Syndrome. Identifiers: Orphanet 29072, MedGen C0031511, MONDO:0008233, OMIM 171300, HP:0002666.
Pheochromocytoma/paraganglioma syndrome 4. Also called: PARAGANGLIOMA, FAMILIAL MALIGNANT; PARAGANGLIOMAS, HEREDITARY EXTRAADRENAL; PHEOCHROMOCYTOMA, FAMILIAL EXTRAADRENAL; SDHB-Related Hereditary Paraganglioma-Pheochromocytoma Syndrome (Paragangliomas 4); CAROTID BODY TUMORS AND MULTIPLE EXTRAADRENAL PHEOCHROMOCYTOMAS; SDHB-Related Hereditary Paraganglioma-Pheochromocytoma Syndrome. Identifiers: Orphanet 29072, MedGen C1861848, MONDO:0007273, OMIM 115310.
Gastrointestinal stromal tumor. Also called: Gastrointestinal stromal tumor, somatic; Gastrointestinal stroma tumor. Identifiers: Orphanet 44890, MedGen C0238198, MeSH D046152, MONDO:0011719, OMIM 606764, HP:0100723.

Submission:

Labcorp Genetics (formerly Invitae), Labcorp
Classification: Pathogenic for Gastrointestinal stroma tumor; Paragangliomas 4; Pheochromocytoma. Last evaluated: 2019-07-10. Review status: criteria provided, single submitter. Criteria: Invitae Variant Classification Sherloc (09022015). Collection method: clinical testing. Allele origin: germline.
Comment: A gross deletion of the genomic region encompassing the full coding sequence of the SDHB gene has been identified. The boundaries of this event are unknown as the deletion extends beyond the assayed region for this gene and therefore may encompass additional genes. This variant has been observed in several individuals affected with paragangliomas (PMID: 16258955, 19351833). While the boundaries of this deletion are not known, similar deletions encompassing the whole SDHB coding sequence have been reported in individuals affected with paraganglioma (PMID: 16258955, 19351833). Loss-of-function variants in SDHB are known to be pathogenic (PMID: 19454582, 19802898). For these reasons, this variant has been classified as Pathogenic.

Literature cited by the submitters: PubMed 16258955; PubMed 19351833.